The following is an entry in ClinVar:

ClinVar aggregate classification (germline): Benign. Review status: criteria provided, multiple submitters, no conflicts (2 of 4 stars). 5 submissions from 5 submitters: Benign (5). Last evaluated 2026-02-04.

Conditions:
Long chain 3-hydroxyacyl-CoA dehydrogenase deficiency. Also called: LCHAD Deficiency; Deficiency of long-chain 3-hydroxyacyl-coenzyme A dehydrogenase. Identifiers: Orphanet 5, MedGen C3711645, MONDO:0012173, OMIM 609016.
Mitochondrial trifunctional protein deficiency. Identifiers: Orphanet 746, MedGen C1969443, MONDO:0012172.

Allele frequency attached by ClinVar (database versions not stated): gnomAD exomes 0.00176 and 0.00466; ExAC 0.00570; gnomAD 0.01782 and 0.01898; ESP Exome Variant Server 0.01938; TOPMed 0.02024; 1000 Genomes Project 0.02376; 1000 Genomes Project 30x 0.02483.

Submissions (5):

Labcorp Genetics (formerly Invitae), Labcorp
Classification: Benign for Mitochondrial trifunctional protein deficiency; Long chain 3-hydroxyacyl-CoA dehydrogenase deficiency. Last evaluated: 2026-02-04. Review status: criteria provided, single submitter. Criteria: Invitae Variant Classification Sherloc (09022015). Collection method: clinical testing. Allele origin: germline.

ARUP Laboratories, Molecular Genetics and Genomics, ARUP Laboratories
Classification: Benign. Last evaluated: 2025-02-27. Review status: criteria provided, single submitter. Criteria: ARUP Molecular Germline Variant Investigation Process 2024. Collection method: clinical testing. Allele origin: germline.

Mayo Clinic Laboratories, Mayo Clinic
Classification: Benign. Last evaluated: 2021-04-07. Review status: criteria provided, single submitter. Criteria: ACMG Guidelines, 2015. Collection method: clinical testing. Allele origin: germline. Observed: 24 variant alleles.

Women's Health and Genetics/Laboratory Corporation of America, LabCorp
Classification: Benign. Last evaluated: 2018-07-12. Review status: criteria provided, single submitter. Criteria: LabCorp Variant Classification Summary - May 2015. Collection method: clinical testing. Allele origin: germline.
Comment: Variant summary: HADHA c.109+20A>G alters a nucleotide located close to a canonical splice site and therefore could affect mRNA splicing, leading to a significantly altered protein sequence. 5/5 computational tools predict no significant impact on normal splicing. However, these predictions have yet to be confirmed by functional studies. The variant allele was found at a frequency of 0.006 in 277014 control chromosomes in the gnomAD database, including 47 homozygotes. The observed variant frequency is approximately 3-folds higher than the estimated maximal expected allele frequency for a pathogenic variant in HADHA causing Long Chain 3-Hydroxyacyl-CoA Dehydrogenase Deficiency phenotype (0.0019), strongly suggesting that the variant is benign. To our knowledge, no occurrence of c.109+20A>G in individuals affected with Long Chain 3-Hydroxyacyl-CoA Dehydrogenase Deficiency and no experimental evidence demonstrating its impact on protein function have been reported. A ClinVar submission from a clinical diagnostic laboratory (evaluation after 2014) cite the variant as "benign." Based on the evidence outlined above, the variant was classified as benign.

GeneDx
Classification: Benign. Last evaluated: 2015-12-26. Review status: criteria provided, single submitter. Criteria: GeneDx Variant Classification (06012015). Collection method: clinical testing. Allele origin: germline. Affected: yes.
Comment: This variant is considered likely benign or benign based on one or more of the following criteria: it is a conservative change, it occurs at a poorly conserved position in the protein, it is predicted to be benign by multiple in silico algorithms, and/or has population frequency not consistent with disease.

NM_000182.5(HADHA):c.109+20A>G

Gene: HADHA (hydroxyacyl-CoA dehydrogenase trifunctional multienzyme complex subunit alpha; minus strand). Cytogenetic location: 2p23.3.
Variant type: single nucleotide variant.
Coding change: c.109+20A>G on transcript NM_000182.5 (MANE Select); 20 bases into the intron after coding-DNA position 109, A replaced by G.
Molecular consequence: intron variant.
Genome position (GRCh38, 1-based): chr2:26,239,082, T>C on the plus strand (A>G on the coding strand, the complement: HADHA is on the minus strand). VCF-style: chr2-26239082-T-C. GRCh37 (hg19) VCF-style: chr2-26461950-T-C.
Other names: p.?.
Identifiers: ClinVar variation 377948 (VCV000377948.13), dbSNP rs7569108, ClinGen allele CA1559977.